The following is an entry in ClinVar:

NM_014698.3(TMEM63A):c.1285C>T (p.Leu429Phe)

Gene: TMEM63A (transmembrane protein 63A; minus strand). Cytogenetic location: 1q42.12.
Variant type: single nucleotide variant.
Coding change: c.1285C>T on transcript NM_014698.3 (MANE Select); coding-DNA position 1285, C replaced by T.
Protein change: p.Leu429Phe; replaces leucine 429 with phenylalanine.
Molecular consequence: missense variant.
Genome position (GRCh38, 1-based): chr1:225,859,288, G>A on the plus strand (C>T on the coding strand, the complement: TMEM63A is on the minus strand). VCF-style: chr1-225859288-G-A. GRCh37 (hg19) VCF-style: chr1-226046988-G-A.
Other names: short protein forms L429F.
Identifiers: ClinVar variation 3770890 (VCV003770890.13).

ClinVar aggregate classification (germline): Uncertain significance (1 of 4 stars; one submission).

gnomAD v4.1: 1 of 1,614,170 alleles (0.000062%); highest among the groups gnomAD compares: Non-Finnish European, 0.000085%; no homozygotes.

Submission:

CeGaT Center for Human Genetics Tuebingen
Classification: Uncertain significance. Last evaluated: 2026-07-01. Review status: criteria provided, single submitter. Criteria: CeGaT Center For Human Genetics Tuebingen Variant Classification Criteria Version 2. Collection method: clinical testing. Allele origin: germline. Affected: yes. Observed: 2 variant alleles.
Comment: TMEM63A: PM2:Supporting, BP4